The following is an entry in ClinVar:

ClinVar aggregate classification (germline): Likely pathogenic (1 of 4 stars; one submission).

Conditions:
Congenital lactic acidosis, Saguenay-Lac-Saint-Jean type (MC4DN5). Also called: CYTOCHROME c OXIDASE DEFICIENCY, FRENCH CANADIAN TYPE; COX DEFICIENCY, FRENCH CANADIAN TYPE; MITOCHONDRIAL COMPLEX IV DEFICIENCY, NUCLEAR TYPE 5. Identifiers: Orphanet 70472, MedGen C1857355, MONDO:0009069, OMIM 220111.

Submission:

Natera, Inc.
Classification: Likely pathogenic for French-Canadian type Leigh syndrome. Last evaluated: 2025-10-27. Review status: criteria provided, single submitter. Criteria: Natera Variant Classification Schema (03/2026). Collection method: clinical testing. Allele origin: germline.
Comment: The c.1899C>G variant in LRPPRC is a nonsense variant predicted to introduce a stop codon at amino acid 633. This variant is expected to result in nonsense mediated decay, truncation, or a dysfunctional protein product. This variant is rare in the general population with a frequency below the threshold expected for the associated phenotype(s). Given the available evidence, this variant is classified as Likely Pathogenic.

NM_133259.4(LRPPRC):c.1899C>G (p.Tyr633Ter)

Gene: LRPPRC (leucine rich pentatricopeptide repeat containing; minus strand). Cytogenetic location: 2p21.
Variant type: single nucleotide variant.
Coding change: c.1899C>G on transcript NM_133259.4 (MANE Select); coding-DNA position 1899, C replaced by G.
Protein change: p.Tyr633Ter; replaces tyrosine 633 with a stop codon.
Molecular consequence: nonsense.
Genome position (GRCh38, 1-based): chr2:43,948,143, G>C on the plus strand (C>G on the coding strand, the complement: LRPPRC is on the minus strand). VCF-style: chr2-43948143-G-C. GRCh37 (hg19) VCF-style: chr2-44175282-G-C.
Other names: short protein forms Y633*.
Identifiers: ClinVar variation 4816482 (VCV004816482.1).